The following is an entry in ClinVar:

ClinVar aggregate classification (germline): Uncertain significance. Review status: criteria provided, multiple submitters, no conflicts (2 of 4 stars). 3 submissions from 3 submitters: Uncertain significance (3). Last evaluated 2022-06-14.

Conditions:
Inborn genetic diseases. Identifiers: MedGen C0950123, MeSH D030342.
Developmental and epileptic encephalopathy, 25 (DEE25). Also called: Developmental and epileptic encephalopathy 25, with amelogenesis imperfecta; Epileptic encephalopathy, early infantile, 25, with amelogenesis imperfecta; Epileptic encephalopathy, early infantile, 25. Identifiers: Orphanet 442835, MedGen C4014621, MONDO:0014392, OMIM 615905.

Allele frequency attached by ClinVar (database versions not stated): gnomAD exomes 0.00001 and 0.00002; TOPMed 0.00001; ExAC 0.00002.
gnomAD v4.1: 6 of 1,614,200 alleles (0.00037%); highest among the groups gnomAD compares: Admixed American, 0.01%; no homozygotes.

Submissions (3):

Labcorp Genetics (formerly Invitae), Labcorp
Classification: Uncertain significance for Developmental and epileptic encephalopathy, 25. Last evaluated: 2022-06-14. Review status: criteria provided, single submitter. Criteria: Invitae Variant Classification Sherloc (09022015). Collection method: clinical testing. Allele origin: germline.
Comment: This sequence change replaces proline, which is neutral and non-polar, with serine, which is neutral and polar, at codon 474 of the SLC13A5 protein (p.Pro474Ser). This variant is present in population databases (rs777285678, gnomAD 0.02%). This variant has not been reported in the literature in individuals affected with SLC13A5-related conditions. ClinVar contains an entry for this variant (Variation ID: 590068). Algorithms developed to predict the effect of missense changes on protein structure and function (SIFT, PolyPhen-2, Align-GVGD) all suggest that this variant is likely to be disruptive. In summary, the available evidence is currently insufficient to determine the role of this variant in disease. Therefore, it has been classified as a Variant of Uncertain Significance.

Genome-Nilou Lab
Classification: Uncertain significance for Developmental and epileptic encephalopathy, 25. Last evaluated: 2021-07-15. Review status: criteria provided, single submitter. Criteria: ACMG Guidelines, 2015. Collection method: clinical testing. Allele origin: germline. Affected: no.

Ambry Genetics
Classification: Uncertain significance for Inborn genetic diseases. Last evaluated: 2017-02-10. Review status: criteria provided, single submitter. Criteria: Ambry Variant Classification Scheme 2023. Collection method: clinical testing. Allele origin: germline.
Comment: The p.P474S variant (also known as c.1420C>T), located in coding exon 10 of the SLC13A5 gene, results from a C to T substitution at nucleotide position 1420. The proline at codon 474 is replaced by serine, an amino acid with similar properties. This amino acid position is highly conserved in available vertebrate species. In addition, this alteration is predicted to be deleterious by in silico analysis. Since supporting evidence is limited at this time, the clinical significance of this variant remains unclear.

NM_177550.5(SLC13A5):c.1420C>T (p.Pro474Ser)

Gene: SLC13A5 (solute carrier family 13 member 5; minus strand). Cytogenetic location: 17p13.1.
Variant type: single nucleotide variant.
Coding change: c.1420C>T on transcript NM_177550.5 (MANE Select); coding-DNA position 1420, C replaced by T.
Protein change: p.Pro474Ser; replaces proline 474 with serine.
Molecular consequence: missense variant.
Genome position (GRCh38, 1-based): chr17:6,690,796, G>A on the plus strand (C>T on the coding strand, the complement: SLC13A5 is on the minus strand). VCF-style: chr17-6690796-G-A. GRCh37 (hg19) VCF-style: chr17-6594115-G-A.
Other names: c.1420C>T, p.Pro474Ser (NM_001143838.3); c.1369C>T, p.Pro457Ser (NM_001284509.2); c.1291C>T, p.Pro431Ser (NM_001284510.2); short protein forms P474S, P457S, P431S.
Identifiers: ClinVar variation 590068 (VCV000590068.14), dbSNP rs777285678, ClinGen allele CA8331397.